The following is an entry in ClinVar:

ClinVar aggregate classification (germline): Uncertain significance (1 of 4 stars; one submission).

Submission:

GeneDx
Classification: Uncertain significance. Last evaluated: 2022-09-16. Review status: criteria provided, single submitter. Criteria: GeneDx Variant Classification Process June 2021. Collection method: clinical testing. Allele origin: germline. Affected: yes.
Comment: Not observed at significant frequency in large population cohorts (gnomAD); In silico analysis supports that this missense variant has a deleterious effect on protein structure/function; Has not been previously published as pathogenic or benign to our knowledge

NM_002471.4(MYH6):c.5136C>G (p.Ser1712Arg)

Genes: MYH6 (myosin heavy chain 6; minus strand), LOC126861896 (BRD4-independent group 4 enhancer GRCh37_chr14:23854904-23856103; plus strand). Cytogenetic location: 14q11.2.
Variant type: single nucleotide variant.
Coding change: c.5136C>G on transcript NM_002471.4 (MANE Select); coding-DNA position 5136, C replaced by G.
Protein change: p.Ser1712Arg; replaces serine 1712 with arginine.
Molecular consequence: missense variant.
Genome position (GRCh38, 1-based): chr14:23,385,955, G>C on the plus strand (C>G on the coding strand, the complement: MYH6 is on the minus strand). VCF-style: chr14-23385955-G-C. GRCh37 (hg19) VCF-style: chr14-23855164-G-C.
Other names: short protein forms S1712R.
Identifiers: ClinVar variation 2444779 (VCV002444779.1), dbSNP rs397516774, ClinGen allele CA388989210.
Genomic context (GRCh38, chr14:23,385,955, plus strand): 5'-AGGTTTCCACAAGGTGGCTCCTGACCCCCTCACCTGGGAATGCAGCAGCTGCACCCGCTC[G>C]CTGGTCTCAATCAGCTCCTGCTCCGCCAGCTTCCGGGACCGCTCTGTCTGCTCCACCACG-3'
Protein context (NP_002462.2, residues 1702-1722): KLAEQELIET[Ser1712Arg]ERVQLLHSQN